The following is an entry in ClinVar:

NM_000458.4(HNF1B):c.1045+330G>T

Gene: HNF1B (HNF1 homeobox B; minus strand). Cytogenetic location: 17q12.
Variant type: single nucleotide variant.
Coding change: c.1045+330G>T on transcript NM_000458.4 (MANE Select); 330 bases into the intron after coding-DNA position 1045, G replaced by T.
Molecular consequence: intron variant.
Genome position (GRCh38, 1-based): chr17:37,731,265, C>A on the plus strand (G>T on the coding strand, the complement: HNF1B is on the minus strand). VCF-style: chr17-37731265-C-A. GRCh37 (hg19) VCF-style: chr17-36091256-C-A.
Other names: c.967+330G>T (NM_001304286.2, NM_001165923.4).
Identifiers: ClinVar variation 1802665 (VCV001802665.1), dbSNP rs9906451, ClinGen allele CA2580093603.

ClinVar aggregate classification (germline): Benign (1 of 4 stars; one submission).

Conditions:
Maturity-onset diabetes of the young (MODY). Also called: Maturity onset diabetes mellitus in young. Identifiers: Orphanet 552, MedGen C0342276, MONDO:0018911, HP:0004904.

Submission:

Clinical Genomics, Uppaluri K&H Personalized Medicine Clinic
Classification: Benign for Maturity-onset diabetes of the young. Review status: criteria provided, single submitter. Criteria: K & H Uppaluri Personalized Medicine Clinic Variant Classification & Assertion Criteria_Updated V.1. Collection method: research. Allele origin: unknown. Inheritance: Autosomal dominant inheritance.
Comment: HNF1B gene mutations are associated with early onset diabetes and pancreatic atrophy. It is also associated with multiple renal manifestations including renal cysts, Tubulointerstitial disease, glomerulocystic disease, renal hypoplasia, hypomagnesemia. However no sufficient evidence is found to ascertain the role of this particular variant rs9906451, yet.

Literature cited by the submitters: PubMed 24897035; PubMed 25536396; PubMed 27615128; PubMed 28215227; PubMed 33434175; PubMed 25741167; PubMed 26340261; PubMed 19639018.